The following is an entry in ClinVar:

ClinVar aggregate classification (germline): Uncertain significance. Review status: criteria provided, multiple submitters, no conflicts (2 of 4 stars). 3 submissions from 3 submitters: Uncertain significance (2). 1 of the submissions does not count toward it. Last evaluated 2021-04-12.

Conditions:
Rotor syndrome (HBLRR). Also called: HYPERBILIRUBINEMIA, ROTOR TYPE, DIGENIC; HYPERBILIRUBINEMIA, ROTOR TYPE. Identifiers: Orphanet 3111, MedGen C0220991, MONDO:0009379, OMIM 237450.
SLCO1B3-related disorder. Also called: SLCO1B3-related condition.

Allele frequency attached by ClinVar (database versions not stated): gnomAD exomes 0.00004 and 0.00012; 1000 Genomes Project 30x 0.00016; ExAC 0.00017; 1000 Genomes Project 0.00020; ESP Exome Variant Server 0.00031; gnomAD 0.00040 and 0.00045; TOPMed 0.00044.
gnomAD v4.1: 119 of 1,447,112 alleles (0.0082%); highest among the groups gnomAD compares: African/African-American, 0.12%; no homozygotes.

Submissions (3):

ARUP Laboratories, Molecular Genetics and Genomics, ARUP Laboratories
Classification: Uncertain significance for Rotor syndrome. Last evaluated: 2021-04-12. Review status: criteria provided, single submitter. Criteria: ARUP Molecular Germline Variant Investigation Process 2021. Collection method: clinical testing. Allele origin: germline.

Illumina Laboratory Services, Illumina
Classification: Uncertain significance for Rotor syndrome. Last evaluated: 2018-01-12. Review status: criteria provided, single submitter. Criteria: ICSL Variant Classification Criteria 13 December 2019. Collection method: clinical testing. Allele origin: germline.

PreventionGenetics, part of Exact Sciences
Classification: Uncertain significance for SLCO1B3-related condition. Last evaluated: 2024-05-02. Review status: no assertion criteria provided. Collection method: clinical testing. Allele origin: germline. Not counted in ClinVar's aggregate classification.
Comment: The SLCO1B3 c.988A>G variant is predicted to result in the amino acid substitution p.Lys330Glu. To our knowledge, this variant has not been reported in the literature. This variant is reported in 0.12% of alleles in individuals of African descent in gnomAD. Although we suspect this variant may be benign due to the relatively high allele frequency in the general population, at this time, the clinical significance of this variant is uncertain due to the absence of conclusive functional and genetic evidence.

NM_019844.4(SLCO1B3):c.988A>G (p.Lys330Glu)

Genes: SLCO1B3 (solute carrier organic anion transporter family member 1B3; plus strand), SLCO1B3-SLCO1B7 (SLCO1B3-SLCO1B7 readthrough; plus strand). Cytogenetic location: 12p12.2.
Variant type: single nucleotide variant.
Coding change: c.988A>G on transcript NM_019844.4 (MANE Select); coding-DNA position 988, A replaced by G.
Protein change: p.Lys330Glu; replaces lysine 330 with glutamic acid.
Molecular consequence: missense variant.
Genome position (GRCh38, 1-based): chr12:20,877,789, A>G. VCF-style: chr12-20877789-A-G. GRCh37 (hg19) VCF-style: chr12-21030723-A-G.
Other names: c.904A>G, p.Lys302Glu (NM_001349920.2); short protein forms K330E, K302E.
Identifiers: ClinVar variation 307898 (VCV000307898.12), dbSNP rs146780296, ClinGen allele CA6475417.